The following is an entry in ClinVar:

ClinVar aggregate classification (germline): Uncertain significance (1 of 4 stars; one submission).

Conditions:
Hereditary cancer-predisposing syndrome. Also called: Tumor predisposition; Hereditary Cancer Syndrome; Hereditary neoplastic syndrome; Neoplastic Syndromes, Hereditary. Identifiers: Orphanet 140162, MedGen C0027672, MeSH D009386, MONDO:0015356.

Submission:

Ambry Genetics
Classification: Uncertain significance for Hereditary cancer-predisposing syndrome. Last evaluated: 2024-06-21. Review status: criteria provided, single submitter. Criteria: Ambry Variant Classification Scheme 2023. Collection method: clinical testing. Allele origin: germline.
Comment: The p.L674S variant (also known as c.2021T>C), located in coding exon 7 of the MET gene, results from a T to C substitution at nucleotide position 2021. The leucine at codon 674 is replaced by serine, an amino acid with dissimilar properties. This amino acid position is conserved. In addition, this alteration is predicted to be deleterious by in silico analysis. Based on the available evidence, the clinical significance of this variant remains unclear.

NM_000245.4(MET):c.2021T>C (p.Leu674Ser)

Gene: MET (MET proto-oncogene, receptor tyrosine kinase; plus strand). Cytogenetic location: 7q31.2.
Variant type: single nucleotide variant.
Coding change: c.2021T>C on transcript NM_000245.4 (MANE Select); coding-DNA position 2021, T replaced by C.
Protein change: p.Leu674Ser; replaces leucine 674 with serine.
Molecular consequence: missense variant.
Genome position (GRCh38, 1-based): chr7:116,757,693, T>C. VCF-style: chr7-116757693-T-C. GRCh37 (hg19) VCF-style: chr7-116397747-T-C.
Other names: c.2021T>C, p.Leu674Ser (NM_001127500.3, NM_001324401.3); c.731T>C, p.Leu244Ser (NM_001324402.2); short protein forms L244S, L674S.
Identifiers: ClinVar variation 3294387 (VCV003294387.1).